The following is an entry in ClinVar:

ClinVar aggregate classification (germline): Conflicting classifications of pathogenicity. Review status: criteria provided, conflicting classifications (1 of 4 stars). 3 submissions from 3 submitters: Uncertain significance (2); Benign (1). Last evaluated 2025-12-14.

Conditions:
Fanconi anemia complementation group O. Also called: RAD51C-Related Fanconi Anemia. Identifiers: Orphanet 84, MedGen C3150653, MONDO:0013248, OMIM 613390.
Hereditary cancer-predisposing syndrome. Also called: Hereditary neoplastic syndrome; Tumor predisposition; Neoplastic Syndromes, Hereditary; Hereditary Cancer Syndrome. Identifiers: Orphanet 140162, MedGen C0027672, MeSH D009386, MONDO:0015356.

Allele frequency attached by ClinVar (database versions not stated): TOPMed 0.00001.
gnomAD v4.1: 3 of 1,614,196 alleles (0.00019%); highest among the groups gnomAD compares: Non-Finnish European, 0.00025%; no homozygotes.

Submissions (3):

Labcorp Genetics (formerly Invitae), Labcorp
Classification: Uncertain significance for Fanconi anemia complementation group O. Last evaluated: 2025-12-14. Review status: criteria provided, single submitter. Criteria: Invitae Variant Classification Sherloc (09022015). Collection method: clinical testing. Allele origin: germline.
Comment: This sequence change replaces phenylalanine, which is neutral and non-polar, with leucine, which is neutral and non-polar, at codon 6 of the RAD51C protein (p.Phe6Leu). This variant is not present in population databases (gnomAD no frequency). This missense change has been observed in individual(s) with pulmonary fibrosis and thrombocytopenia (PMID: 30995915). ClinVar contains an entry for this variant (Variation ID: 859541). An algorithm developed to predict the effect of missense changes on protein structure and function outputs the following: PolyPhen-2: "Benign". The leucine amino acid residue is found in multiple mammalian species, which suggests that this missense change does not adversely affect protein function. In summary, the available evidence is currently insufficient to determine the role of this variant in disease. Therefore, it has been classified as a Variant of Uncertain Significance.

Ambry Genetics
Classification: Benign for Hereditary cancer-predisposing syndrome. Last evaluated: 2025-10-17. Review status: criteria provided, single submitter. Criteria: Ambry Variant Classification Scheme 2023. Collection method: clinical testing. Allele origin: germline.

GeneDx
Classification: Uncertain significance. Last evaluated: 2025-03-13. Review status: criteria provided, single submitter. Criteria: GeneDx Variant Classification Process June 2021. Collection method: clinical testing. Allele origin: germline. Affected: yes.
Comment: Not observed at significant frequency in large population cohorts (gnomAD); In silico analysis indicates that this missense variant does not alter protein structure/function; Observed in an individual with telomere shortening and pulmonary fibrosis (PMID: 30995915); This variant is associated with the following publications: (PMID: 30995915)

Literature cited by the submitters: PubMed 30995915 (cited by Labcorp Genetics (formerly Invitae), Labcorp).

NM_058216.3(RAD51C):c.18C>G (p.Phe6Leu)

Gene: RAD51C (RAD51 paralog C; plus strand). Cytogenetic location: 17q22.
Variant type: single nucleotide variant.
Coding change: c.18C>G on transcript NM_058216.3 (MANE Select); coding-DNA position 18, C replaced by G.
Protein change: p.Phe6Leu; replaces phenylalanine 6 with leucine.
Molecular consequence: missense variant. On other transcripts: non-coding transcript variant (2).
Genome position (GRCh38, 1-based): chr17:58,692,661, C>G. VCF-style: chr17-58692661-C-G. GRCh37 (hg19) VCF-style: chr17-56770022-C-G.
Other names: c.18C>G, p.Phe6Leu (NM_002876.4); short protein forms F6L.
Identifiers: ClinVar variation 859541 (VCV000859541.15), dbSNP rs774685897, ClinGen allele CA400336227.